The following is an entry in ClinVar:

ClinVar aggregate classification (germline): Likely benign (0 of 4 stars; one submission).

Conditions:
AAGAB-related disorder. Also called: AAGAB-related condition.

Submission:

PreventionGenetics, part of Exact Sciences
Classification: Likely benign for AAGAB-related condition. Last evaluated: 2019-09-17. Review status: no assertion criteria provided. Collection method: clinical testing. Allele origin: germline.
Comment: This variant is classified as likely benign based on ACMG/AMP sequence variant interpretation guidelines (Richards et al. 2015 PMID: 25741868, with internal and published modifications).

NM_024666.5(AAGAB):c.6T>C (p.Ala2=)

Genes: AAGAB (alpha and gamma adaptin binding protein; minus strand), LOC130057363 (ATAC-STARR-seq lymphoblastoid active region 9628; plus strand). Cytogenetic location: 15q23.
Variant type: single nucleotide variant.
Coding change: c.6T>C on transcript NM_024666.5 (MANE Select); coding-DNA position 6, T replaced by C.
Protein change: p.Ala2=; no amino-acid change (alanine 2 retained).
Molecular consequence: synonymous variant. On other transcripts: 5 prime UTR variant (1), intron variant (1).
Genome position (GRCh38, 1-based): chr15:67,254,626, A>G on the plus strand (T>C on the coding strand, the complement: AAGAB is on the minus strand). VCF-style: chr15-67254626-A-G. GRCh37 (hg19) VCF-style: chr15-67546964-A-G.
Other names: c.-467T>C (NM_001271886.2); c.-255+511T>C (NM_001271885.2).
Identifiers: ClinVar variation 3355721 (VCV003355721.1).